The following is an entry in ClinVar:

ClinVar aggregate classification (germline): Uncertain significance (1 of 4 stars; one submission).

Allele frequency attached by ClinVar (database versions not stated): TOPMed below 0.00001.
gnomAD v4.1: 2 of 1,613,596 alleles (0.00012%); highest among the groups gnomAD compares: South Asian, 0.0011%; no homozygotes.

Submission:

Labcorp Genetics (formerly Invitae), Labcorp
Classification: Uncertain significance. Last evaluated: 2025-02-06. Review status: criteria provided, single submitter. Criteria: Invitae Variant Classification Sherloc (09022015). Collection method: clinical testing. Allele origin: germline.
Comment: This sequence change replaces phenylalanine, which is neutral and non-polar, with serine, which is neutral and polar, at codon 881 of the ADAMTS17 protein (p.Phe881Ser). This variant is not present in population databases (gnomAD no frequency). This variant has not been reported in the literature in individuals affected with ADAMTS17-related conditions. ClinVar contains an entry for this variant (Variation ID: 2107502). An algorithm developed to predict the effect of missense changes on protein structure and function (PolyPhen-2) suggests that this variant is likely to be tolerated. In summary, the available evidence is currently insufficient to determine the role of this variant in disease. Therefore, it has been classified as a Variant of Uncertain Significance.

NM_139057.4(ADAMTS17):c.2642T>C (p.Phe881Ser)

Gene: ADAMTS17 (ADAM metallopeptidase with thrombospondin type 1 motif 17; minus strand). Cytogenetic location: 15q26.3.
Variant type: single nucleotide variant.
Coding change: c.2642T>C on transcript NM_139057.4 (MANE Select); coding-DNA position 2642, T replaced by C.
Protein change: p.Phe881Ser; replaces phenylalanine 881 with serine.
Molecular consequence: missense variant.
Genome position (GRCh38, 1-based): chr15:99,997,539, A>G on the plus strand (T>C on the coding strand, the complement: ADAMTS17 is on the minus strand). VCF-style: chr15-99997539-A-G. GRCh37 (hg19) VCF-style: chr15-100537744-A-G.
Other names: short protein forms F881S.
Identifiers: ClinVar variation 2107502 (VCV002107502.3), dbSNP rs2060828527, ClinGen allele CA393694312.